The following is an entry in ClinVar:

ClinVar aggregate classification (germline): Uncertain significance (1 of 4 stars; one submission).

Conditions:
Atrial fibrillation, familial, 7 (ATFB7). Identifiers: MedGen C2677106, MONDO:0012828, OMIM 612240.

Submission:

Labcorp Genetics (formerly Invitae), Labcorp
Classification: Uncertain significance for Atrial fibrillation, familial, 7. Last evaluated: 2024-06-09. Review status: criteria provided, single submitter. Criteria: Invitae Variant Classification Sherloc (09022015). Collection method: clinical testing. Allele origin: germline.
Comment: This sequence change replaces proline, which is neutral and non-polar, with serine, which is neutral and polar, at codon 93 of the KCNA5 protein (p.Pro93Ser). This variant is present in population databases (no rsID available, gnomAD 0.001%). This variant has not been reported in the literature in individuals affected with KCNA5-related conditions. Algorithms developed to predict the effect of missense changes on protein structure and function output the following: SIFT: "Not Available"; PolyPhen-2: "Benign"; Align-GVGD: "Not Available". The serine amino acid residue is found in multiple mammalian species, which suggests that this missense change does not adversely affect protein function. In summary, the available evidence is currently insufficient to determine the role of this variant in disease. Therefore, it has been classified as a Variant of Uncertain Significance.

NM_002234.4(KCNA5):c.277C>T (p.Pro93Ser)

Gene: KCNA5 (potassium voltage-gated channel subfamily A member 5; plus strand). Cytogenetic location: 12p13.32.
Variant type: single nucleotide variant.
Coding change: c.277C>T on transcript NM_002234.4 (MANE Select); coding-DNA position 277, C replaced by T.
Protein change: p.Pro93Ser; replaces proline 93 with serine.
Molecular consequence: missense variant.
Genome position (GRCh38, 1-based): chr12:5,044,424, C>T. VCF-style: chr12-5044424-C-T. GRCh37 (hg19) VCF-style: chr12-5153590-C-T.
Other names: short protein forms P93S.
Identifiers: ClinVar variation 3708377 (VCV003708377.2).
Genomic context (GRCh38, chr12:5,044,424, plus strand): 5'-CCGGGAGTGCGGCCCTTGCCTCCGCTGCCAGAGGAGCTGCCACGGCCTCGACGGCCGCCT[C>T]CCGAGGACGAGGAGGAAGAAGGCGATCCCGGCCTGGGCACGGTGGAGGACCAGGCTCTGG-3'
Protein context (NP_002225.2, residues 83-103): EELPRPRRPP[Pro93Ser]EDEEEEGDPG